The following is an entry in ClinVar:

ClinVar aggregate classification (germline): Uncertain significance (1 of 4 stars; one submission).

gnomAD v4.1: 4 of 1,614,160 alleles (0.00025%); highest among the groups gnomAD compares: Non-Finnish European, 0.00034%; no homozygotes.

Submission:

Labcorp Genetics (formerly Invitae), Labcorp
Classification: Uncertain significance. Last evaluated: 2025-08-22. Review status: criteria provided, single submitter. Criteria: Invitae Variant Classification Sherloc (09022015). Collection method: clinical testing. Allele origin: germline.
Comment: This sequence change replaces serine, which is neutral and polar, with glycine, which is neutral and non-polar, at codon 648 of the DLC1 protein (p.Ser648Gly). The frequency data for this variant in the population databases is considered unreliable, as metrics indicate poor data quality at this position in the gnomAD database. This variant has not been reported in the literature in individuals affected with DLC1-related conditions. An algorithm developed to predict the effect of missense changes on protein structure and function outputs the following: PolyPhen-2: "Benign". The glycine amino acid residue is found in multiple mammalian species, which suggests that this missense change does not adversely affect protein function. In summary, the available evidence is currently insufficient to determine the role of this variant in disease. Therefore, it has been classified as a Variant of Uncertain Significance.

NM_182643.3(DLC1):c.1942A>G (p.Ser648Gly)

Gene: DLC1 (DLC1 Rho GTPase activating protein; minus strand). Cytogenetic location: 8p22.
Variant type: single nucleotide variant.
Coding change: c.1942A>G on transcript NM_182643.3 (MANE Select); coding-DNA position 1942, A replaced by G.
Protein change: p.Ser648Gly; replaces serine 648 with glycine.
Molecular consequence: missense variant.
Genome position (GRCh38, 1-based): chr8:13,100,395, T>C on the plus strand (A>G on the coding strand, the complement: DLC1 is on the minus strand). VCF-style: chr8-13100395-T-C. GRCh37 (hg19) VCF-style: chr8-12957904-T-C.
Other names: c.409A>G, p.Ser137Gly (NM_001164271.2, NM_001348082.2, NM_001348083.1 and 6 more transcripts); c.733A>G, p.Ser245Gly (NM_001316668.2, NM_001413129.1); c.1942A>G, p.Ser648Gly (NM_001348081.2, NM_001413124.1); c.724A>G, p.Ser242Gly (NM_001413130.1); c.382A>G, p.Ser128Gly (NM_001413131.1, NM_001413137.1); c.868A>G, p.Ser290Gly (NM_001413132.1); c.631A>G, p.Ser211Gly (NM_001413135.1, NM_001413136.1, NM_001413139.1 and 1 more transcripts); c.766A>G, p.Ser256Gly (NM_001413140.1); short protein forms S242G, S245G, S648G, S128G, S256G, S137G, S211G, S290G.
Identifiers: ClinVar variation 4781576 (VCV004781576.1).